The following is an entry in ClinVar:

NM_003073.5(SMARCB1):c.1141A>C (p.Thr381Pro)

Gene: SMARCB1 (SWI/SNF related BAF chromatin remodeling complex subunit B1; plus strand). Cytogenetic location: 22q11.23.
Variant type: single nucleotide variant.
Coding change: c.1141A>C on transcript NM_003073.5 (MANE Select); coding-DNA position 1141, A replaced by C.
Protein change: p.Thr381Pro; replaces threonine 381 with proline.
Molecular consequence: missense variant.
Genome position (GRCh38, 1-based): chr22:23,834,163, A>C. VCF-style: chr22-23834163-A-C. GRCh37 (hg19) VCF-style: chr22-24176350-A-C.
Other names: c.1114A>C, p.Thr372Pro (NM_001007468.3); c.1168A>C, p.Thr390Pro (NM_001317946.2); c.1195A>C, p.Thr399Pro (NM_001362877.2); short protein forms T372P, T381P, T390P, T399P.
Identifiers: ClinVar variation 4864844 (VCV004864844.1).

ClinVar aggregate classification (germline): Uncertain significance (1 of 4 stars; one submission).

Conditions:
Hereditary cancer-predisposing syndrome. Also called: Neoplastic Syndromes, Hereditary; Tumor predisposition; Hereditary Cancer Syndrome; Hereditary neoplastic syndrome. Identifiers: Orphanet 140162, MedGen C0027672, MeSH D009386, MONDO:0015356.

Submission:

Ambry Genetics
Classification: Uncertain significance for Hereditary cancer-predisposing syndrome. Last evaluated: 2026-06-10. Review status: criteria provided, single submitter. Criteria: Ambry Variant Classification Scheme 2023. Collection method: clinical testing. Allele origin: germline.
Comment: The p.T381P variant (also known as c.1141A>C), located in coding exon 9 of the SMARCB1 gene, results from an A to C substitution at nucleotide position 1141. The threonine at codon 381 is replaced by proline, an amino acid with highly similar properties. This amino acid position is conserved. In addition, this alteration is predicted to be deleterious by in silico analysis. Based on the available evidence, the clinical significance of this variant remains unclear.